The following is an entry in ClinVar:

ClinVar aggregate classification (germline): Uncertain significance (1 of 4 stars; one submission).

Conditions:
Familial sleep-related hypermotor epilepsy. Also called: Autosomal Dominant Sleep-Related Hypermotor (Hyperkinetic) Epilepsy. Identifiers: Orphanet 98784, MedGen C3696898, MONDO:0000030.

Submission:

Labcorp Genetics (formerly Invitae), Labcorp
Classification: Uncertain significance. Last evaluated: 2025-06-09. Review status: criteria provided, single submitter. Criteria: Invitae Variant Classification Sherloc (09022015). Collection method: clinical testing. Allele origin: germline.
Comment: This sequence change replaces aspartic acid, which is acidic and polar, with histidine, which is basic and polar, at codon 366 of the CHRNA4 protein (p.Asp366His). This variant is present in population databases (rs770329764, gnomAD 0.003%). This variant has not been reported in the literature in individuals affected with CHRNA4-related conditions. Invitae Evidence Modeling of protein sequence and biophysical properties (such as structural, functional, and spatial information, amino acid conservation, physicochemical variation, residue mobility, and thermodynamic stability) indicates that this missense variant is not expected to disrupt CHRNA4 protein function with a negative predictive value of 80%. In summary, the available evidence is currently insufficient to determine the role of this variant in disease. Therefore, it has been classified as a Variant of Uncertain Significance.

NM_000744.7(CHRNA4):c.1096G>C (p.Asp366His)

Gene: CHRNA4 (cholinergic receptor nicotinic alpha 4 subunit; minus strand). Cytogenetic location: 20q13.33.
Variant type: single nucleotide variant.
Coding change: c.1096G>C on transcript NM_000744.7 (MANE Select); coding-DNA position 1096, G replaced by C.
Protein change: p.Asp366His; replaces aspartic acid 366 with histidine.
Molecular consequence: missense variant. On other transcripts: non-coding transcript variant (1).
Genome position (GRCh38, 1-based): chr20:63,350,315, C>G on the plus strand (G>C on the coding strand, the complement: CHRNA4 is on the minus strand). VCF-style: chr20-63350315-C-G. GRCh37 (hg19) VCF-style: chr20-61981667-C-G.
Other names: c.568G>C, p.Asp190His (NM_001256573.2); short protein forms D190H, D366H.
Identifiers: ClinVar variation 4738554 (VCV004738554.1).